The following is an entry in ClinVar:

NM_001130438.3(SPTAN1):c.6247_6248delinsCT (p.Lys2083Leu)

Gene: SPTAN1 (spectrin alpha, non-erythrocytic 1; plus strand). Cytogenetic location: 9q34.11.
Variant type: Indel.
Coding change: c.6247_6248delinsCT on transcript NM_001130438.3 (MANE Select); coding-DNA positions 6247 to 6248, AA replaced by CT.
Protein change: p.Lys2083Leu; replaces lysine 2083 with leucine.
Molecular consequence: missense variant.
Genome position (GRCh38, 1-based): chr9:128,625,946-128,625,947, AA replaced by CT. VCF-style: chr9-128625946-AA-CT. GRCh37 (hg19) VCF-style: chr9-131388225-AA-CT.
Other names: c.6172_6173delinsCT, p.Lys2058Leu (NM_001195532.2); c.6247_6248delinsCT, p.Lys2083Leu (NM_001363759.2); c.6187_6188delinsCT, p.Lys2063Leu (NM_001363765.2); c.6232_6233delinsCT, p.Lys2078Leu (NM_003127.4); short protein forms K2063L, K2058L, K2083L, K2078L.
Identifiers: ClinVar variation 420261 (VCV000420261.2), dbSNP rs1064794380, ClinGen allele CA16618760.

ClinVar aggregate classification (germline): Conflicting classifications of pathogenicity. Review status: criteria provided, conflicting classifications (1 of 4 stars). 2 submissions from 2 submitters: Uncertain significance (1); Likely benign (1). Last evaluated 2024-11-17.

Submissions (2):

Blueprint Genetics
Classification: Uncertain significance. Last evaluated: 2024-11-17. Review status: criteria provided, single submitter. Criteria: ACMG Guidelines, 2015. Collection method: clinical testing. Allele origin: germline.

GeneDx
Classification: Likely benign. Last evaluated: 2016-11-18. Review status: criteria provided, single submitter. Criteria: GeneDx Variant Classification (06012015). Collection method: clinical testing. Allele origin: germline. Affected: yes.
Comment: This variant is considered likely benign or benign based on one or more of the following criteria: it is a conservative change, it occurs at a poorly conserved position in the protein, it is predicted to be benign by multiple in silico algorithms, and/or has population frequency not consistent with disease.